The following is an entry in ClinVar:

ClinVar aggregate classification (germline): Uncertain significance. Review status: criteria provided, multiple submitters, no conflicts (2 of 4 stars). 2 submissions from 2 submitters: Uncertain significance (2). Last evaluated 2025-02-21.

Conditions:
Inborn genetic diseases. Identifiers: MedGen C0950123, MeSH D030342.

Allele frequency attached by ClinVar (database versions not stated): 1000 Genomes Project 30x 0.00016; 1000 Genomes Project 0.00020.
gnomAD v4.1: 38 of 1,613,214 alleles (0.0024%); highest among the groups gnomAD compares: Admixed American, 0.0033%; no homozygotes.

Submissions (2):

Ambry Genetics
Classification: Uncertain significance for Inborn genetic diseases. Last evaluated: 2025-02-21. Review status: criteria provided, single submitter. Criteria: Ambry Variant Classification Scheme 2023. Collection method: clinical testing. Allele origin: germline.

GeneDx
Classification: Uncertain significance. Last evaluated: 2023-02-15. Review status: criteria provided, single submitter. Criteria: GeneDx Variant Classification Process June 2021. Collection method: clinical testing. Allele origin: germline. Affected: yes.
Comment: Not observed at significant frequency in large population cohorts (gnomAD); In silico analysis supports that this missense variant has a deleterious effect on protein structure/function; Has not been previously published as pathogenic or benign to our knowledge

NM_003672.4(CDC14A):c.374C>A (p.Pro125His)

Gene: CDC14A (cell division cycle 14A; plus strand). Cytogenetic location: 1p21.2.
Variant type: single nucleotide variant.
Coding change: c.374C>A on transcript NM_003672.4 (MANE Select); coding-DNA position 374, C replaced by A.
Protein change: p.Pro125His; replaces proline 125 with histidine.
Molecular consequence: missense variant. On other transcripts: 5 prime UTR variant (1).
Genome position (GRCh38, 1-based): chr1:100,424,286, C>A. VCF-style: chr1-100424286-C-A. GRCh37 (hg19) VCF-style: chr1-100889842-C-A.
Other names: c.374C>A, p.Pro125His (NM_001319210.2, NM_033312.3, NM_033313.3); c.200C>A, p.Pro67His (NM_001319211.2); c.-418C>A (NM_001319212.2); c.374C>A (NM_003672.3); short protein forms P125H, P67H.
Identifiers: ClinVar variation 2373955 (VCV002373955.4), dbSNP rs200941208, ClinGen allele CA970545.